The following is an entry in ClinVar:

NM_006514.4(SCN10A):c.3116G>T (p.Cys1039Phe)

Genes: SCN10A (sodium voltage-gated channel alpha subunit 10; minus strand), LOC110121288 (VISTA enhancer hs2268; plus strand). Cytogenetic location: 3p22.2.
Variant type: single nucleotide variant.
Coding change: c.3116G>T on transcript NM_006514.4 (MANE Select); coding-DNA position 3116, G replaced by T.
Protein change: p.Cys1039Phe; replaces cysteine 1039 with phenylalanine.
Molecular consequence: missense variant.
Genome position (GRCh38, 1-based): chr3:38,725,286, C>A on the plus strand (G>T on the coding strand, the complement: SCN10A is on the minus strand). VCF-style: chr3-38725286-C-A. GRCh37 (hg19) VCF-style: chr3-38766777-C-A.
Other names: c.3113G>T, p.Cys1038Phe (NM_001293306.2); c.2822G>T, p.Cys941Phe (NM_001293307.2); short protein forms C1038F, C941F, C1039F.
Identifiers: ClinVar variation 3023103 (VCV003023103.3), dbSNP rs765623505, ClinGen allele CA352156798.

ClinVar aggregate classification (germline): Uncertain significance (1 of 4 stars; one submission).

Conditions:
Brugada syndrome. Also called: Sudden unexpected nocturnal death syndrome; Sudden unexplained nocturnal death syndrome; Sudden Unexplained Death Syndrome; Sudden Unexplained Nocturnal Death Syndrome (SUNDS). Identifiers: Orphanet 130, MedGen C1142166, MONDO:0015263.

Allele frequency attached by ClinVar (database versions not stated): gnomAD 0.00001.

Submission:

Labcorp Genetics (formerly Invitae), Labcorp
Classification: Uncertain significance for Brugada syndrome. Last evaluated: 2024-02-05. Review status: criteria provided, single submitter. Criteria: Invitae Variant Classification Sherloc (09022015). Collection method: clinical testing. Allele origin: germline.
Comment: This sequence change replaces cysteine, which is neutral and slightly polar, with phenylalanine, which is neutral and non-polar, at codon 1039 of the SCN10A protein (p.Cys1039Phe). This variant is not present in population databases (gnomAD no frequency). This variant has not been reported in the literature in individuals affected with SCN10A-related conditions. Advanced modeling of protein sequence and biophysical properties (such as structural, functional, and spatial information, amino acid conservation, physicochemical variation, residue mobility, and thermodynamic stability) performed at Invitae indicates that this missense variant is not expected to disrupt SCN10A protein function with a negative predictive value of 95%. In summary, the available evidence is currently insufficient to determine the role of this variant in disease. Therefore, it has been classified as a Variant of Uncertain Significance.